The following is an entry in ClinVar:

ClinVar aggregate classification (germline): Conflicting classifications of pathogenicity. Review status: criteria provided, conflicting classifications (1 of 4 stars). 7 submissions from 7 submitters: Likely pathogenic (1); Uncertain significance (6). Last evaluated 2025-03-21.

Conditions:
Meckel-Gruber syndrome. Also called: DYSENCEPHALIA SPLANCHNOCYSTICA; GRUBER SYNDROME; Dysencephalia splachnocystica. Identifiers: Orphanet 564, MedGen C0265215, MONDO:0018921.
Joubert syndrome. Also called: Familial aplasia of the vermis; JOUBERT-BOLTSHAUSER SYNDROME. Identifiers: Orphanet 475, MedGen C5979921, MONDO:0018772.
CC2D2A-related disorder. Also called: CC2D2A-related condition; CC2D2A-related disorders. Identifiers: MedGen CN239313.
Joubert syndrome 9 (JBTS9). Identifiers: Orphanet 2318, MedGen C2676788, MONDO:0012849, OMIM 612285.

Allele frequency attached by ClinVar (database versions not stated): TOPMed 0.00001; gnomAD 0.00003; gnomAD exomes 0.00003; ExAC 0.00005.
gnomAD v4.1: 40 of 1,547,426 alleles (0.0026%); highest among the groups gnomAD compares: Middle Eastern, 0.018%; no homozygotes.

Submissions (7):

PreventionGenetics, part of Exact Sciences
Classification: Uncertain significance for CC2D2A-related condition. Last evaluated: 2025-03-21. Review status: criteria provided, single submitter. Criteria: ACMG Guidelines, 2015. Collection method: clinical testing. Allele origin: germline.
Comment: The CC2D2A c.4407C>G variant is predicted to result in the amino acid substitution p.Ser1469Arg. This variant was reported in an individual with Joubert syndrome (Capalbo et al 2019. PubMed ID: 31589614). This variant is reported in 0.0080% of alleles in individuals of Latino descent in gnomAD. Although we suspect that this variant may be pathogenic, at this time, the clinical significance of this variant is uncertain due to the absence of conclusive functional and genetic evidence.

GeneDx
Classification: Uncertain significance. Last evaluated: 2023-12-01. Review status: criteria provided, single submitter. Criteria: GeneDx Variant Classification Process June 2021. Collection method: clinical testing. Allele origin: germline. Affected: yes.
Comment: Not observed at significant frequency in large population cohorts (gnomAD); In silico analysis supports that this missense variant does not alter protein structure/function; Reported previously in unaffected carriers; however, no further information was provided (PMID: 31964843); This variant is associated with the following publications: (PMID: 31589614, 31964843)

3billion
Classification: Uncertain significance for Joubert syndrome 9. Last evaluated: 2023-08-21. Review status: criteria provided, single submitter. Criteria: ACMG Guidelines, 2015. Collection method: clinical testing. Allele origin: germline. Affected: yes.
Comment: The variant is observed at an extremely low frequency in the gnomAD v2.1.1 dataset (total allele frequency: 0.003%). Predicted Consequence/Location: Missense variant In silico tool predictions suggest damaging effect of the variant on gene or gene product [3Cnet: 0.70 (>=0.6, sensitivity 0.72 and precision 0.9)]. Same nucleotide change resulting in same amino acid change has been previously reported to be associated with CC2D2A related disorder (ClinVar ID: VCV000126245 /PMID: 31589614). However, the evidence of pathogenicity is insufficient at this time. Therefore, this variant is classified as VUS according to the recommendation of ACMG/AMP guideline.

Mayo Clinic Laboratories, Mayo Clinic
Classification: Uncertain significance. Last evaluated: 2023-06-26. Review status: criteria provided, single submitter. Criteria: ACMG Guidelines, 2015. Collection method: clinical testing. Allele origin: germline. Observed: 1 variant allele.
Comment: PM2_moderate

Blueprint Genetics
Classification: Uncertain significance. Last evaluated: 2023-01-23. Review status: criteria provided, single submitter. Criteria: ACMG Guidelines, 2015. Collection method: clinical testing. Allele origin: germline.

Labcorp Genetics (formerly Invitae), Labcorp
Classification: Uncertain significance for Joubert syndrome; Meckel-Gruber syndrome. Last evaluated: 2022-10-25. Review status: criteria provided, single submitter. Criteria: Invitae Variant Classification Sherloc (09022015). Collection method: clinical testing. Allele origin: germline.
Comment: This sequence change replaces serine, which is neutral and polar, with arginine, which is basic and polar, at codon 1469 of the CC2D2A protein (p.Ser1469Arg). The frequency data for this variant in the population databases is considered unreliable, as metrics indicate poor data quality at this position in the gnomAD database. This missense change has been observed in individual(s) with clinical features of Joubert syndrome (Invitae). ClinVar contains an entry for this variant (Variation ID: 126245). Advanced modeling of protein sequence and biophysical properties (such as structural, functional, and spatial information, amino acid conservation, physicochemical variation, residue mobility, and thermodynamic stability) performed at Invitae indicates that this missense variant is not expected to disrupt CC2D2A protein function. In summary, the available evidence is currently insufficient to determine the role of this variant in disease. Therefore, it has been classified as a Variant of Uncertain Significance.

Genetic Services Laboratory, University of Chicago
Classification: Likely pathogenic for Meckel Gruber syndrome. Last evaluated: 2013-10-29. Review status: criteria provided, single submitter. Criteria: ACMG Guidelines, 2007. Collection method: clinical testing. Allele origin: germline. Inheritance: Autosomal recessive inheritance. Affected: yes. Observed: 1 variant allele.

Literature cited by the submitters: PubMed 31589614 (cited by 3billion and Mayo Clinic Laboratories, Mayo Clinic); PubMed 31964843 (cited by Mayo Clinic Laboratories, Mayo Clinic); PubMed 33502066 (cited by Mayo Clinic Laboratories, Mayo Clinic).

NM_001378615.1(CC2D2A):c.4407C>G (p.Ser1469Arg)

Genes: CC2D2A (coiled-coil and C2 domain containing 2A; plus strand), FBXL5 (F-box and leucine rich repeat protein 5; minus strand). Cytogenetic location: 4p15.32.
Variant type: single nucleotide variant.
Coding change: c.4407C>G on transcript NM_001378615.1 (MANE Select); coding-DNA position 4407, C replaced by G.
Protein change: p.Ser1469Arg; replaces serine 1469 with arginine.
Molecular consequence: missense variant.
Genome position (GRCh38, 1-based): chr4:15,596,177, C>G. VCF-style: chr4-15596177-C-G. GRCh37 (hg19) VCF-style: chr4-15597800-C-G.
Other names: p.Ser1469Arg; c.4407C>G, p.Ser1469Arg (NM_001080522.2); c.4260C>G, p.Ser1420Arg (NM_001378617.1); short protein forms S1469R, S1420R.
Identifiers: ClinVar variation 126245 (VCV000126245.16), dbSNP rs587779732, ClinGen allele CA150882.